The following is an entry in ClinVar:

NM_001374736.1(DST):c.13506A>G (p.Glu4502=)

Gene: DST (dystonin; minus strand). Cytogenetic location: 6p12.1.
Variant type: single nucleotide variant.
Coding change: c.13506A>G on transcript NM_001374736.1 (MANE Select); coding-DNA position 13506, A replaced by G.
Protein change: p.Glu4502=; no amino-acid change (glutamic acid 4502 retained).
Molecular consequence: synonymous variant.
Genome position (GRCh38, 1-based): chr6:56,572,795, T>C on the plus strand (A>G on the coding strand, the complement: DST is on the minus strand). VCF-style: chr6-56572795-T-C. GRCh37 (hg19) VCF-style: chr6-56437593-T-C.
Other names: c.7149A>G, p.Glu2383= (NM_001144769.5); c.6735A>G, p.Glu2245= (NM_001144770.2); c.13506A>G, p.Glu4502= (NM_001374722.1); c.12873A>G, p.Glu4291= (NM_001374729.1); c.6615A>G, p.Glu2205= (NM_001374730.1, NM_001386100.1, NM_183380.4); c.13533A>G, p.Glu4511= (NM_001374734.1); c.5637A>G, p.Glu1879= (NM_015548.5).
Identifiers: ClinVar variation 1517287 (VCV001517287.6), dbSNP rs2152613896, ClinGen allele CA450489098.

ClinVar aggregate classification (germline): Uncertain significance (1 of 4 stars; one submission).

Conditions:
Epidermolysis bullosa simplex 3, localized or generalized intermediate, with BP230 deficiency (EBS3). Also called: Epidermolysis bullosa simplex due to BP230 deficiency; Epidermolysis bullosa simplex, autosomal recessive 2. Identifiers: Orphanet 412181, MedGen C3809470, MONDO:0014180, OMIM 615425.
Hereditary sensory and autonomic neuropathy type 6. Also called: HSAN VI; Neuropathy, hereditary sensory and autonomic, type VI. Identifiers: Orphanet 314381, MedGen C3539003, MONDO:0013839, OMIM 614653.

Submission:

Labcorp Genetics (formerly Invitae), Labcorp
Classification: Uncertain significance for Epidermolysis bullosa simplex 3, localized or generalized intermediate, with BP230 deficiency; Hereditary sensory and autonomic neuropathy type 6. Last evaluated: 2024-12-16. Review status: criteria provided, single submitter. Criteria: Invitae Variant Classification Sherloc (09022015). Collection method: clinical testing. Allele origin: germline.
Comment: The DST gene has multiple clinically relevant transcripts. This variant occurs in alternate transcript NM_015548.5, and corresponds to NM_001723.5(DST):c.*42722A>G in the primary transcript. This sequence change affects codon 1879 of the DST mRNA. It is a 'silent' change, meaning that it does not change the encoded amino acid sequence of the DST protein. This variant is not present in population databases (gnomAD no frequency). This variant has not been reported in the literature in individuals affected with DST-related conditions. In summary, the available evidence is currently insufficient to determine the role of this variant in disease. Therefore, it has been classified as a Variant of Uncertain Significance.